The following is an entry in ClinVar:

NM_006929.5(SKIC2):c.3254G>A (p.Ser1085Asn)

Gene: SKIC2 (SKI2 subunit of superkiller complex; plus strand). Cytogenetic location: 6p21.33.
Variant type: single nucleotide variant.
Coding change: c.3254G>A on transcript NM_006929.5 (MANE Select); coding-DNA position 3254, G replaced by A.
Protein change: p.Ser1085Asn; replaces serine 1085 with asparagine.
Molecular consequence: missense variant.
Genome position (GRCh38, 1-based): chr6:31,968,944, G>A. VCF-style: chr6-31968944-G-A. GRCh37 (hg19) VCF-style: chr6-31936721-G-A.
Other names: short protein forms S1085N.
Identifiers: ClinVar variation 1472560 (VCV001472560.5), dbSNP rs755307500, ClinGen allele CA3730016.

ClinVar aggregate classification (germline): Uncertain significance (1 of 4 stars; one submission).

Allele frequency attached by ClinVar (database versions not stated): TOPMed below 0.00001; ExAC 0.00001; gnomAD exomes 0.00001 and 0.00003.
gnomAD v4.1: 40 of 1,612,886 alleles (0.0025%); highest among the groups gnomAD compares: Non-Finnish European, 0.0031%; no homozygotes.

Submission:

Labcorp Genetics (formerly Invitae), Labcorp
Classification: Uncertain significance. Last evaluated: 2021-08-24. Review status: criteria provided, single submitter. Criteria: Invitae Variant Classification Sherloc (09022015). Collection method: clinical testing. Allele origin: germline.
Comment: This sequence change replaces serine with asparagine at codon 1085 of the SKIV2L protein (p.Ser1085Asn). The serine residue is moderately conserved and there is a small physicochemical difference between serine and asparagine. This variant is present in population databases (rs755307500, ExAC no frequency). This variant has not been reported in the literature in individuals affected with SKIV2L-related conditions. Algorithms developed to predict the effect of missense changes on protein structure and function (SIFT, PolyPhen-2, Align-GVGD) all suggest that this variant is likely to be tolerated. In summary, the available evidence is currently insufficient to determine the role of this variant in disease. Therefore, it has been classified as a Variant of Uncertain Significance.